The following is an entry in ClinVar:

NM_000110.4(DPYD):c.*768G>A

Gene: DPYD (dihydropyrimidine dehydrogenase; minus strand). Cytogenetic location: 1p21.3.
Variant type: single nucleotide variant.
Coding change: c.*768G>A on transcript NM_000110.4 (MANE Select); 768 bases downstream of the stop codon, G replaced by A.
Molecular consequence: 3 prime UTR variant.
Genome position (GRCh38, 1-based): chr1:97,078,208, C>T on the plus strand (G>A on the coding strand, the complement: DPYD is on the minus strand). VCF-style: chr1-97078208-C-T. GRCh37 (hg19) VCF-style: chr1-97543764-C-T.
Identifiers: ClinVar variation 100065 (VCV000100065.6), dbSNP rs291592, ClinGen allele CA228067.
Genomic context (GRCh38, chr1:97,078,208, plus strand): 5'-ATTAGTTGCTATAATCATGAAGGTGACTATTAAAACCAGTCAGAGCCCGTATGTGCACAG[C>T]AAAAGAGTGGTAACCAGGATCTATCCTATCATCTCATTTTGTTAGGAACATAGTTTAAAG-3'

ClinVar aggregate classification (germline): Benign. Review status: criteria provided, multiple submitters, no conflicts (2 of 4 stars). 3 submissions from 3 submitters: Benign (2). 1 of the submissions does not count toward it. Last evaluated 2018-01-12.

Conditions:
Dihydropyrimidine dehydrogenase deficiency (DPYDD). Also called: DPD DEFICIENCY; DPYD DEFICIENCY; Hereditary Thymine-Uraciluria. Identifiers: Orphanet 1675, MedGen C1959620, MONDO:0010130, OMIM 274270.

Allele frequency attached by ClinVar (database versions not stated): gnomAD 0.43806 and 0.45245; TOPMed 0.45608; gnomAD exomes 0.53237; 1000 Genomes Project 30x 0.56309; 1000 Genomes Project 0.57748.
gnomAD v4.1: 68,929 of 152,410 alleles (45%); highest among the groups gnomAD compares: East Asian, 97%; 17,089 homozygotes.

Submissions (3):

Illumina Laboratory Services, Illumina
Classification: Benign for Dihydropyrimidine dehydrogenase deficiency. Last evaluated: 2018-01-12. Review status: criteria provided, single submitter. Criteria: ICSL Variant Classification Criteria 13 December 2019. Collection method: clinical testing. Allele origin: germline.
Comment: This variant was observed in the ICSL laboratory as part of a predisposition screen in an ostensibly healthy population. It had not been previously curated by ICSL or reported in the Human Gene Mutation Database (HGMD: prior to June 1st, 2018), and was therefore a candidate for classification through an automated scoring system. Utilizing variant allele frequency, disease prevalence and penetrance estimates, and inheritance mode, an automated score was calculated to assess if this variant is too frequent to cause the disease. Based on the score and internal cut-off values, a variant classified as benign is not then subjected to further curation. The score for this variant resulted in a classification of benign for this disease.

Breakthrough Genomics
Classification: Benign. Review status: criteria provided, single submitter. Criteria: ACMG Guidelines, 2015. Collection method: not provided. Allele origin: germline. Inheritance: Autosomal recessive inheritance. Affected: yes.

Diasio Lab,  Mayo Clinic
No classification provided. Review status: no classification provided. Collection method: not provided. Allele origin: unknown. Not counted in ClinVar's aggregate classification.